The following is an entry in ClinVar:

ClinVar aggregate classification (germline): Conflicting classifications of pathogenicity. Review status: criteria provided, conflicting classifications (1 of 4 stars). 6 submissions from 6 submitters: Pathogenic (2); Likely pathogenic (3); Uncertain significance (1). Last evaluated 2026-10-01.

Conditions:
Polycystic kidney disease 4 (PKD4). Also called: POLYCYSTIC KIDNEY AND HEPATIC DISEASE 1; POLYCYSTIC KIDNEY DISEASE, INFANTILE, TYPE I; POLYCYSTIC KIDNEY DISEASE 4 WITH OR WITHOUT POLYCYSTIC LIVER DISEASE; PKD3; Autosomal Recessive Polycystic Kidney Disease – PKHD1. Identifiers: MedGen C4540575, MONDO:0033004, OMIM 263200.
Autosomal recessive polycystic kidney disease (ARPKD). Also called: AR polycystic kidney disease. Identifiers: Orphanet 731, Orphanet 8378, MedGen C0085548, MeSH D017044, MONDO:0009889.

Allele frequency attached by ClinVar (database versions not stated): gnomAD exomes below 0.00001 and 0.00002; TOPMed 0.00001; ExAC 0.00001; gnomAD 0.00002.
gnomAD v4.1: 38 of 1,613,910 alleles (0.0024%); highest among the groups gnomAD compares: Non-Finnish European, 0.0032%; no homozygotes.

Submissions (6):

GeneDx
Classification: Likely pathogenic. Last evaluated: 2026-10-01. Review status: criteria provided, single submitter. Criteria: GeneDx Variant Classification Process June 2021. Collection method: clinical testing. Allele origin: germline.
Comment: Not observed at significant frequency in large population cohorts (gnomAD); In silico analysis supports that this missense variant has a deleterious effect on protein structure/function; This variant is associated with the following publications: (PMID: 33059616, 26673778)

Victorian Clinical Genetics Services, Murdoch Childrens Research Institute
Classification: Pathogenic for Polycystic kidney disease 4. Last evaluated: 2025-10-14. Review status: criteria provided, single submitter. Criteria: ACMG Guidelines, 2015. Collection method: clinical testing. Allele origin: germline. Affected: yes.
Comment: This variant is classified as Pathogenic. Evidence in support of pathogenic classification: Variant is present in gnomAD <0.01 for a recessive condition (v4: 38 heterozygote(s), 0 homozygote(s)); This variant has strong previous evidence of pathogenicity in unrelated individuals. It has been reported in a compound heterozygous individual affected with chronic kidney disease (PMID: 33059616) and has been classified as pathogenic, likely pathogenic, and VUS by clinical laboratories (ClinVar); Other missense variant(s) comparable to the one identified in this case have moderate previous evidence for pathogenicity. p.(His2655Arg) has been reported in compound heterozygous individuals with polycystic kidney disease (PMID: 27225849, 33964006). In addition, p.(His2655Arg) and p.(His2655Asn) have been classified as pathogenic and likely pathogenic, respectively, by a clinical laboratory (ClinVar); Missense variant predicted to be damaging by in silico tool(s) or highly conserved with a major amino acid change. Additional information: Variant is predicted to result in a missense amino acid change from His to Pro; This variant is heterozygous; This gene is associated with autosomal recessive disease; however, there are emerging reports of heterozygous carriers of PKHD1 variants developing liver cysts and nephrocalcinosis (PMID: 21945273, 36691356); Alternative amino acid change(s) at the same position are present in gnomAD (highest allele count: v4: 1 heterozygote(s), 0 homozygote(s)); No published functional evidence has been identified for this variant; Variant is not located in an established domain, motif, hotspot or informative constraint region; Loss of function is a known mechanism of disease in this gene and is associated with polycystic kidney disease 4, with or without hepatic disease (MIM#263200); Variants in this gene are known to have variable expressivity. Significant intrafamilial variability has been reported (PMID: 20301501); Inheritance information for this variant is not currently available in this individual.

Natera, Inc.
Classification: Likely pathogenic for Autosomal recessive polycystic kidney disease. Last evaluated: 2025-07-25. Review status: criteria provided, single submitter. Criteria: Natera Variant Classification Schema (03/2026). Collection method: clinical testing. Allele origin: germline.
Comment: The c.7964A>C variant in PKHD1 is a missense variant predicted to cause substitution of histidine to proline at amino acid 2655. This variant is rare in the general population with a frequency below the threshold expected for the associated phenotype(s). This variant has been observed in one or more individuals affected with the associated recessive disease, as either homozygous or compound heterozygous with a second variant (PMID: 26673778, 33059616). A different variant at the same position has been determined to be Pathogenic or Likely Pathogenic. Computational prediction algorithms indicate this variant is likely to affect gene or protein function. Given the available evidence, this variant is classified as Likely Pathogenic.

Women's Health and Genetics/Laboratory Corporation of America, LabCorp
Classification: Uncertain significance. Last evaluated: 2025-06-30. Review status: criteria provided, single submitter. Criteria: LabCorp Variant Classification Summary - May 2015. Collection method: clinical testing. Allele origin: germline.
Comment: Variant summary: PKHD1 c.7964A>C (p.His2655Pro) results in a non-conservative amino acid change in the encoded protein sequence. Five of five in-silico tools predict a damaging effect of the variant on protein function. The variant allele was found at a frequency of 4e-06 in 251258 control chromosomes (gnomAD). c.7964A>C has been reported in the literature in individuals affected with Polycystic Kidney And Hepatic Disease and related conditions (Schueler_2016, Molinari_2020). These data indicate that the variant may be associated with disease. To our knowledge, no experimental evidence demonstrating an impact on protein function has been reported. The following publications have been ascertained in the context of this evaluation (PMID: 33059616, 26673778).Two clinical diagnostic laboratories have submitted clinical-significance assessments for this variant to ClinVar after 2014, and one classified the variant as pathogenic and other as likely pathogenic. Based on the evidence outlined above, the variant was classified as VUS-possibly pathogenic.

Fulgent Genetics
Classification: Likely pathogenic for Polycystic kidney disease 4. Last evaluated: 2024-05-14. Review status: criteria provided, single submitter. Criteria: ACMG Guidelines, 2015. Collection method: clinical testing. Allele origin: germline.

Labcorp Genetics (formerly Invitae), Labcorp
Classification: Pathogenic for Autosomal recessive polycystic kidney disease. Last evaluated: 2023-11-17. Review status: criteria provided, single submitter. Criteria: Invitae Variant Classification Sherloc (09022015). Collection method: clinical testing. Allele origin: germline.
Comment: This sequence change replaces histidine, which is basic and polar, with proline, which is neutral and non-polar, at codon 2655 of the PKHD1 protein (p.His2655Pro). This variant is present in population databases (rs748196998, gnomAD 0.0009%). This missense change has been observed in individual(s) with polycystic kidney disease (PMID: 26673778, 33059616). In at least one individual the data is consistent with being in trans (on the opposite chromosome) from a pathogenic variant. ClinVar contains an entry for this variant (Variation ID: 1699533). Advanced modeling of protein sequence and biophysical properties (such as structural, functional, and spatial information, amino acid conservation, physicochemical variation, residue mobility, and thermodynamic stability) performed at Invitae indicates that this missense variant is expected to disrupt PKHD1 protein function with a positive predictive value of 95%. For these reasons, this variant has been classified as Pathogenic.

Literature cited by the submitters: PubMed 33964006 (cited by Victorian Clinical Genetics Services, Murdoch Childrens Research Institute); PubMed 36691356 (cited by Victorian Clinical Genetics Services, Murdoch Childrens Research Institute); PubMed 33059616 (cited by 4 submitters); PubMed 27225849 (cited by Victorian Clinical Genetics Services, Murdoch Childrens Research Institute); PubMed 20301501 (cited by Victorian Clinical Genetics Services, Murdoch Childrens Research Institute); PubMed 21945273 (cited by Victorian Clinical Genetics Services, Murdoch Childrens Research Institute); PubMed 26673778 (cited by 3 submitters).

NM_138694.4(PKHD1):c.7964A>C (p.His2655Pro)

Gene: PKHD1 (PKHD1 ciliary IPT domain containing fibrocystin/polyductin; minus strand). Cytogenetic location: 6p12.2.
Variant type: single nucleotide variant.
Coding change: c.7964A>C on transcript NM_138694.4 (MANE Select); coding-DNA position 7964, A replaced by C.
Protein change: p.His2655Pro; replaces histidine 2655 with proline.
Molecular consequence: missense variant.
Genome position (GRCh38, 1-based): chr6:51,847,918, T>G on the plus strand (A>C on the coding strand, the complement: PKHD1 is on the minus strand). VCF-style: chr6-51847918-T-G. GRCh37 (hg19) VCF-style: chr6-51712716-T-G.
Other names: c.7964A>C, p.His2655Pro (NM_170724.3); short protein forms H2655P.
Identifiers: ClinVar variation 1699533 (VCV001699533.17), dbSNP rs748196998, ClinGen allele CA3851778.
Genomic context (GRCh38, chr6:51,847,918, plus strand): 5'-GACAGACCCACTCGACTCCCACATCTTAGGAGGATGTCAGGGTAAGGCGGCAAATCTGTG[T>G]GCACCAGCAGTAGGTAATTACCAGGAGCAAAGTTGTCAAAGGTTGCTGAGTACTTGAAGT-3'
Protein context (NP_619639.3, residues 2645-2665): FAPGNYLLLV[His2655Pro]TDLPPYPDIL